The following is an entry in ClinVar:

ClinVar aggregate classification (germline): Uncertain significance. Review status: criteria provided, multiple submitters, no conflicts (2 of 4 stars). 2 submissions from 2 submitters: Uncertain significance (2). Last evaluated 2025-11-22.

Allele frequency attached by ClinVar (database versions not stated): gnomAD exomes below 0.00001; gnomAD 0.00001; TOPMed 0.00001.
gnomAD v4.1: 6 of 1,613,356 alleles (0.00037%); highest among the groups gnomAD compares: Admixed American, 0.01%; no homozygotes.

Submissions (2):

Labcorp Genetics (formerly Invitae), Labcorp
Classification: Uncertain significance. Last evaluated: 2025-11-22. Review status: criteria provided, single submitter. Criteria: Invitae Variant Classification Sherloc (09022015). Collection method: clinical testing. Allele origin: germline.
Comment: This sequence change replaces valine, which is neutral and non-polar, with methionine, which is neutral and non-polar, at codon 269 of the LRRCC1 protein (p.Val269Met). This variant is not present in population databases (gnomAD no frequency). This variant has not been reported in the literature in individuals affected with LRRCC1-related conditions. ClinVar contains an entry for this variant (Variation ID: 3121030). An algorithm developed to predict the effect of missense changes on protein structure and function (PolyPhen-2) suggests that this variant is likely to be tolerated. In summary, the available evidence is currently insufficient to determine the role of this variant in disease. Therefore, it has been classified as a Variant of Uncertain Significance.

Ambry Genetics
Classification: Uncertain significance. Last evaluated: 2023-12-28. Review status: criteria provided, single submitter. Criteria: Ambry Variant Classification Scheme 2023. Collection method: clinical testing. Allele origin: germline.

NM_033402.5(LRRCC1):c.805G>A (p.Val269Met)

Gene: LRRCC1 (leucine rich repeat and coiled-coil centrosomal protein 1; plus strand). Cytogenetic location: 8q21.2.
Variant type: single nucleotide variant.
Coding change: c.805G>A on transcript NM_033402.5 (MANE Select); coding-DNA position 805, G replaced by A.
Protein change: p.Val269Met; replaces valine 269 with methionine.
Molecular consequence: missense variant. On other transcripts: intron variant (2).
Genome position (GRCh38, 1-based): chr8:85,115,459, G>A. VCF-style: chr8-85115459-G-A. GRCh37 (hg19) VCF-style: chr8-86027694-G-A.
Other names: c.526G>A, p.Val176Met (NM_001349636.2); c.379G>A, p.Val127Met (NM_001349637.2); c.33+2360G>A (NM_001349638.2); c.-14+2360G>A (NM_001349639.2); short protein forms V269M, V176M, V127M.
Identifiers: ClinVar variation 3121030 (VCV003121030.2), dbSNP rs1563932556, ClinGen allele CA371415073.